The following is an entry in ClinVar:

ClinVar aggregate classification (germline): Benign. Review status: criteria provided, multiple submitters, no conflicts (2 of 4 stars). 3 submissions from 3 submitters: Benign (2). 1 of the submissions does not count toward it. Last evaluated 2026-02-01.

Conditions:
IFT74-related disorder. Also called: IFT74-related condition; IFT74-Related Disorders.

Allele frequency attached by ClinVar (database versions not stated): gnomAD exomes 0.00112 and 0.00336; ExAC 0.00413; gnomAD 0.01285 and 0.01384; ESP Exome Variant Server 0.01376; 1000 Genomes Project 0.01438; TOPMed 0.01456; 1000 Genomes Project 30x 0.01483.
gnomAD v4.1: 3,624 of 1,594,370 alleles (0.23%); highest among the groups gnomAD compares: African/African-American, 4.4%; 84 homozygotes.

Submissions (3):

Labcorp Genetics (formerly Invitae), Labcorp
Classification: Benign. Last evaluated: 2026-02-01. Review status: criteria provided, single submitter. Criteria: Invitae Variant Classification Sherloc (09022015). Collection method: clinical testing. Allele origin: germline.

Breakthrough Genomics
Classification: Benign. Review status: criteria provided, single submitter. Criteria: ACMG Guidelines, 2015. Collection method: not provided. Allele origin: germline. Inheritance: Autosomal recessive inheritance. Affected: yes.

PreventionGenetics, part of Exact Sciences
Classification: Benign for IFT74-related condition. Last evaluated: 2019-08-06. Review status: no assertion criteria provided. Collection method: clinical testing. Allele origin: germline. Not counted in ClinVar's aggregate classification.
Comment: This variant is classified as benign based on ACMG/AMP sequence variant interpretation guidelines (Richards et al. 2015 PMID: 25741868, with internal and published modifications).

NM_025103.4(IFT74):c.257-3T>C

Gene: IFT74 (intraflagellar transport 74; plus strand). Cytogenetic location: 9p21.2.
Variant type: single nucleotide variant.
Coding change: c.257-3T>C on transcript NM_025103.4 (MANE Select); 3 bases into the intron before coding-DNA position 257, T replaced by C.
Molecular consequence: intron variant.
Genome position (GRCh38, 1-based): chr9:26,980,568, T>C. VCF-style: chr9-26980568-T-C. GRCh37 (hg19) VCF-style: chr9-26980566-T-C.
Other names: c.257-3T>C (NM_001099223.3, NM_001099222.3, NM_001349928.2 and 2 more transcripts).
Identifiers: ClinVar variation 768287 (VCV000768287.13), dbSNP rs114417039, ClinGen allele CA5014880.